The following is an entry in ClinVar:

NM_130384.3(ATRIP):c.289A>T (p.Asn97Tyr)

Genes: ATRIP (ATR interacting protein; plus strand), ATRIP-TREX1 (ATRIP-TREX1 readthrough; plus strand). Cytogenetic location: 3p21.31.
Variant type: single nucleotide variant.
Coding change: c.289A>T on transcript NM_130384.3 (MANE Select); coding-DNA position 289, A replaced by T.
Protein change: p.Asn97Tyr; replaces asparagine 97 with tyrosine.
Molecular consequence: missense variant. On other transcripts: non-coding transcript variant (1), 5 prime UTR variant (1).
Genome position (GRCh38, 1-based): chr3:48,450,078, A>T. VCF-style: chr3-48450078-A-T. GRCh37 (hg19) VCF-style: chr3-48491484-A-T.
Other names: c.-176A>T (NM_001271022.2); c.10A>T, p.Asn4Tyr (NM_001271023.2); c.289A>T, p.Asn97Tyr (NM_032166.4); short protein forms N97Y, N4Y.
Identifiers: ClinVar variation 4644589 (VCV004644589.1).

ClinVar aggregate classification (germline): Uncertain significance (1 of 4 stars; one submission).

Submission:

Ambry Genetics
Classification: Uncertain significance. Last evaluated: 2025-11-17. Review status: criteria provided, single submitter. Criteria: Ambry Variant Classification Scheme 2023. Collection method: clinical testing. Allele origin: germline.
Comment: The p.N97Y variant (also known as c.289A>T), located in coding exon 2 of the ATRIP gene, results from an A to T substitution at nucleotide position 289. The asparagine at codon 97 is replaced by tyrosine, an amino acid with dissimilar properties. This amino acid position is conserved. In addition, this alteration is predicted to be tolerated by in silico analysis. Based on the available evidence, the clinical significance of this variant remains unclear.